The following is an entry in ClinVar:

ClinVar aggregate classification (germline): Uncertain significance (1 of 4 stars; one submission).

Conditions:
Emery-Dreifuss muscular dystrophy 4, autosomal dominant (EDMD4). Also called: EMERY-DREIFUSS MUSCULAR DYSTROPHY 4 WITH VARIABLE FEATURES. Identifiers: Orphanet 261, MedGen C2751807, MONDO:0013071, OMIM 612998.
Autosomal recessive ataxia, Beauce type. Also called: Spinocerebellar ataxia, autosomal recessive 8; ATAXIA, RECESSIVE, OF BEAUCE; SYNE1 Deficiency; SYNE1-Related Autosomal Recessive Cerebellar Ataxia. Identifiers: Orphanet 88644, MedGen C1853116, MONDO:0012549, OMIM 610743.

Allele frequency attached by ClinVar (database versions not stated): gnomAD 0.00001; gnomAD exomes 0.00001.
gnomAD v4.1: 3 of 1,613,870 alleles (0.00019%); highest among the groups gnomAD compares: Admixed American, 0.0033%; no homozygotes.

Submission:

Labcorp Genetics (formerly Invitae), Labcorp
Classification: Uncertain significance for Emery-Dreifuss muscular dystrophy 4, autosomal dominant; Autosomal recessive ataxia, Beauce type. Last evaluated: 2023-11-27. Review status: criteria provided, single submitter. Criteria: Invitae Variant Classification Sherloc (09022015). Collection method: clinical testing. Allele origin: germline.
Comment: This sequence change replaces proline, which is neutral and non-polar, with threonine, which is neutral and polar, at codon 7133 of the SYNE1 protein (p.Pro7133Thr). This variant is present in population databases (no rsID available, gnomAD 0.003%). This variant has not been reported in the literature in individuals affected with SYNE1-related conditions. ClinVar contains an entry for this variant (Variation ID: 1437444). An algorithm developed to predict the effect of missense changes on protein structure and function (PolyPhen-2) suggests that this variant is likely to be disruptive. In summary, the available evidence is currently insufficient to determine the role of this variant in disease. Therefore, it has been classified as a Variant of Uncertain Significance.

NM_182961.4(SYNE1):c.21610C>A (p.Pro7204Thr)

Genes: SYNE1 (spectrin repeat containing nuclear envelope protein 1; minus strand), LOC126859836 (MED14-independent group 3 enhancer GRCh37_chr6:152542272-152543471; plus strand). Cytogenetic location: 6q25.2.
Variant type: single nucleotide variant.
Coding change: c.21610C>A on transcript NM_182961.4 (MANE Select); coding-DNA position 21610, C replaced by A.
Protein change: p.Pro7204Thr; replaces proline 7204 with threonine.
Molecular consequence: missense variant.
Genome position (GRCh38, 1-based): chr6:152,221,472, G>T on the plus strand (C>A on the coding strand, the complement: SYNE1 is on the minus strand). VCF-style: chr6-152221472-G-T. GRCh37 (hg19) VCF-style: chr6-152542607-G-T.
Other names: c.21397C>A, p.Pro7133Thr (NM_033071.5); short protein forms P7204T, P7133T.
Identifiers: ClinVar variation 1437444 (VCV001437444.8), dbSNP rs1257118792, ClinGen allele CA366106067.
Genomic context (GRCh38, chr6:152,221,472, plus strand): 5'-AACATACTCCATACCTCATGTTGACTTCTTTCAGTGTATTGGTAAGAGTTTCTGTCACGG[G>T]TGGGTGACACTCTTTTAATAATTGGTTGGTGATAGAGCCAAATTTCTGTAAGCTCCTTTC-3'
Protein context (NP_892006.3, residues 7194-7214): TNQLLKECHP[Pro7204Thr]VTETLTNTLK